The following is an entry in ClinVar:

NM_170606.3(KMT2C):c.9041G>T (p.Gly3014Val)

Gene: KMT2C (lysine methyltransferase 2C; minus strand). Cytogenetic location: 7q36.1.
Variant type: single nucleotide variant.
Coding change: c.9041G>T on transcript NM_170606.3 (MANE Select); coding-DNA position 9041, G replaced by T.
Protein change: p.Gly3014Val; replaces glycine 3014 with valine.
Molecular consequence: missense variant.
Genome position (GRCh38, 1-based): chr7:152,176,412, C>A on the plus strand (G>T on the coding strand, the complement: KMT2C is on the minus strand). VCF-style: chr7-152176412-C-A. GRCh37 (hg19) VCF-style: chr7-151873497-C-A.
Other names: c.9041G>T (NM_170606.2); short protein forms G3014V.
Identifiers: ClinVar variation 1370746 (VCV001370746.6), dbSNP rs2093213467, ClinGen allele CA370076467.

ClinVar aggregate classification (germline): Uncertain significance. Review status: criteria provided, multiple submitters, no conflicts (2 of 4 stars). 2 submissions from 2 submitters: Uncertain significance (2). Last evaluated 2023-08-04.

Allele frequency attached by ClinVar (database versions not stated): gnomAD 0.00001; TOPMed 0.00002.
gnomAD v4.1: 2 of 1,613,920 alleles (0.00012%); highest among the groups gnomAD compares: Admixed American, 0.0033%; no homozygotes.

Submissions (2):

Women's Health and Genetics/Laboratory Corporation of America, LabCorp
Classification: Uncertain significance. Last evaluated: 2023-08-04. Review status: criteria provided, single submitter. Criteria: LabCorp Variant Classification Summary - May 2015. Collection method: clinical testing. Allele origin: germline.
Comment: Variant summary: KMT2C c.9041G>T (p.Gly3014Val) results in a non-conservative amino acid change in the encoded protein sequence. Four of five in-silico tools predict a benign effect of the variant on protein function. The variant was absent in 251426 control chromosomes (gnomAD). The available data on variant occurrences in the general population are insufficient to allow any conclusion about variant significance. To our knowledge, no occurrence of c.9041G>T in individuals affected with Kleefstra Syndrome 2 and no experimental evidence demonstrating its impact on protein function have been reported. One submitter has cited clinical-significance assessments for this variant to ClinVar after 2014 and has classified the variant as uncertain significance. Based on the evidence outlined above, the variant was classified as uncertain significance.

Labcorp Genetics (formerly Invitae), Labcorp
Classification: Uncertain significance. Last evaluated: 2022-03-20. Review status: criteria provided, single submitter. Criteria: Invitae Variant Classification Sherloc (09022015). Collection method: clinical testing. Allele origin: germline.
Comment: In summary, the available evidence is currently insufficient to determine the role of this variant in disease. Therefore, it has been classified as a Variant of Uncertain Significance. Algorithms developed to predict the effect of missense changes on protein structure and function output the following: SIFT: "Tolerated"; PolyPhen-2: "Benign"; Align-GVGD: "Class C0". The valine amino acid residue is found in multiple mammalian species, which suggests that this missense change does not adversely affect protein function. This variant has not been reported in the literature in individuals affected with KMT2C-related conditions. This variant is not present in population databases (gnomAD no frequency). This sequence change replaces glycine, which is neutral and non-polar, with valine, which is neutral and non-polar, at codon 3014 of the KMT2C protein (p.Gly3014Val).